The following is an entry in ClinVar:

NM_153704.6(TMEM67):c.2783G>C (p.Ser928Thr)

Gene: TMEM67 (transmembrane protein 67; plus strand). Cytogenetic location: 8q22.1.
Variant type: single nucleotide variant.
Coding change: c.2783G>C on transcript NM_153704.6 (MANE Select); coding-DNA position 2783, G replaced by C.
Protein change: p.Ser928Thr; replaces serine 928 with threonine.
Molecular consequence: missense variant. On other transcripts: non-coding transcript variant (1).
Genome position (GRCh38, 1-based): chr8:93,815,323, G>C. VCF-style: chr8-93815323-G-C. GRCh37 (hg19) VCF-style: chr8-94827551-G-C.
Other names: c.2540G>C, p.Ser847Thr (NM_001142301.1); short protein forms S928T, S847T.
Identifiers: ClinVar variation 3596007 (VCV003596007.2).
Genomic context (GRCh38, chr8:93,815,323, plus strand): 5'-TTTTTAAATTTCTAATTTATATTTTCTAAATTTTTTTAATAGATGAAGGTTATTCTTTCA[G>C]CAGTGTCCTGTATTATGGAAATGAAGCTACTCTTCTTATTTTTGATCTGCTGTTCTTCTG-3'
Protein context (NP_714915.3, residues 918-938): IFYNDEGYSF[Ser928Thr]SVLYYGNEAT

ClinVar aggregate classification (germline): Uncertain significance. Review status: criteria provided, multiple submitters, no conflicts (2 of 4 stars). 2 submissions from 2 submitters: Uncertain significance (2). Last evaluated 2026-06-16.

Conditions:
TMEM67-related disorder. Also called: TMEM67-related condition; TMEM67-related disorders. Identifiers: MedGen CN239423.
Nephronophthisis 11 (NPHP11). Identifiers: Orphanet 84081, MedGen C3150796, MONDO:0013302, OMIM 613550.
RHYNS syndrome. Also called: RETINITIS PIGMENTOSA SYNDROME; RETINITIS PIGMENTOSA, HYPOPITUITARISM, NEPHRONOPHTHISIS, AND MILD SKELETAL DYSPLASIA. Identifiers: Orphanet 140976, MedGen C1865794, MONDO:0011202, OMIM 602152.
COACH syndrome 1. Identifiers: Orphanet 1454, MedGen C5435651, MONDO:0800103, OMIM 216360, MONDO:0008996.
Joubert syndrome 6 (JBTS6). Identifiers: Orphanet 475, MedGen C1853153, MONDO:0012539, OMIM 610688.
Meckel syndrome, type 3 (MKS3). Also called: MECKEL-GRUBER SYNDROME, TYPE 3. Identifiers: Orphanet 564, MedGen C1846357, MONDO:0011821, OMIM 607361.
Bardet-Biedl syndrome 14 (BBS14). Identifiers: Orphanet 110, MedGen C2673874, MONDO:0014442, OMIM 615991.

Submissions (2):

PreventionGenetics, part of Exact Sciences
Classification: Uncertain significance for TMEM67-related condition. Last evaluated: 2026-06-16. Review status: criteria provided, single submitter. Criteria: ACMG Guidelines, 2015. Collection method: clinical testing. Allele origin: germline.
Comment: The TMEM67 c.2783G>C variant is predicted to result in the amino acid substitution p.Ser928Thr. To our knowledge, this variant has not been reported in the literature or in a large population database (gnomAD), indicating this variant is rare. At this time, the clinical significance of this variant is uncertain due to the absence of conclusive functional and genetic evidence.

Fulgent Genetics
Classification: Uncertain significance for COACH syndrome 1; RHYNS syndrome; Meckel syndrome, type 3; Joubert syndrome 6; Nephronophthisis 11; Bardet-Biedl syndrome 14. Last evaluated: 2024-01-04. Review status: criteria provided, single submitter. Criteria: ACMG Guidelines, 2015. Collection method: clinical testing. Allele origin: germline.